The following is an entry in ClinVar:

ClinVar aggregate classification (germline): Conflicting classifications of pathogenicity. Review status: criteria provided, conflicting classifications (1 of 4 stars). 2 submissions from 2 submitters: Uncertain significance (1); Likely benign (1). Last evaluated 2025-08-26.

Submissions (2):

GeneDx
Classification: Uncertain significance. Last evaluated: 2025-08-26. Review status: criteria provided, single submitter. Criteria: GeneDx Variant Classification Process June 2021. Collection method: clinical testing. Allele origin: germline. Affected: yes.
Comment: Not observed at significant frequency in large population cohorts (gnomAD); In-frame insertion of one amino acid in a repetitive region with no known function; Has not been previously published as pathogenic or benign to our knowledge

Eurofins Ntd Llc (ga)
Classification: Likely benign. Last evaluated: 2018-09-06. Review status: criteria provided, single submitter. Criteria: EGL ClinVar v180209 classification definitions. Collection method: clinical testing. Allele origin: germline.

NM_001127222.2(CACNA1A):c.6657delinsCCAC (p.His2219dup)

Gene: CACNA1A (calcium voltage-gated channel subunit alpha1 A; minus strand). Cytogenetic location: 19p13.13.
Variant type: Indel.
Coding change: c.6657delinsCCAC on transcript NM_001127222.2 (MANE Select); coding-DNA position 6657, T replaced by CCAC.
Protein change: p.His2219dup; duplicates histidine 2219.
Molecular consequence: inframe insertion.
Genome position (GRCh38, 1-based): chr19:13,208,879, A replaced by GTGG on the plus strand (T replaced by CCAC on the coding strand, the reverse complement: CACNA1A is on the minus strand). VCF-style: chr19-13208879-A-GTGG. GRCh37 (hg19) VCF-style: chr19-13319693-A-GTGG.
Other names: c.6675delinsCCAC, p.His2225dup (NM_000068.4, NM_023035.3); c.6660delinsCCAC, p.His2220dup (NM_001127221.2); c.6666delinsCCAC, p.His2222dup (NM_001174080.2).
Identifiers: ClinVar variation 592749 (VCV000592749.8), dbSNP rs1057518615, ClinGen allele CA913191210.